The following is an entry in ClinVar:

ClinVar aggregate classification (germline): Uncertain significance. Review status: criteria provided, multiple submitters, no conflicts (2 of 4 stars). 4 submissions from 4 submitters: Uncertain significance (4). Last evaluated 2025-10-06.

Conditions:
Deficiency of iodide peroxidase (TDH2A). Also called: Thyroid dyshormonogenesis 2A; THYROID HORMONOGENESIS, GENETIC DEFECT IN, 2A; THYROID PEROXIDASE DEFICIENCY; HYPOTHYROIDISM, CONGENITAL, DUE TO DYSHORMONOGENESIS, 2A; IODIDE PEROXIDASE DEFICIENCY. Identifiers: Orphanet 95716, MedGen C1291299, MONDO:0010133, OMIM 274500.
TPO-related disorder. Also called: TPO-related condition.

Allele frequency attached by ClinVar (database versions not stated): gnomAD 0.00009 and 0.00018; TOPMed 0.00010; ExAC 0.00026; 1000 Genomes Project 30x 0.00094; 1000 Genomes Project 0.00120.
gnomAD v4.1: 449 of 1,613,662 alleles (0.028%); highest among the groups gnomAD compares: East Asian, 0.74%; 5 homozygotes.

Submissions (6):

PreventionGenetics, part of Exact Sciences
Classification: Uncertain significance for TPO-related condition. Last evaluated: 2025-10-06. Review status: criteria provided, single submitter. Criteria: ACMG Guidelines, 2015. Collection method: clinical testing. Allele origin: germline.
Comment: The TPO c.612G>A variant is not predicted to result in an amino acid change (p.=). This variant is predicted to alter splicing based on available splicing prediction programs (SpliceAI, Jaganathan et al. 2019. PubMed ID: 30661751). However, the use of computer prediction programs is not equivalent to functional evidence. This variant was reported as a de novo variant in an individual with a neurodevelopmental disorder (Table S2, Turner et al. 2019. PubMed ID: 31785789). This variant is reported in 0.16% of alleles in individuals of East Asian descent in gnomAD, including one homozygote. Although we suspect that this variant may be benign, at this time, the clinical significance of this variant is uncertain due to the absence of conclusive functional and genetic evidence.

GeneDx
Classification: Uncertain significance. Last evaluated: 2023-11-10. Review status: criteria provided, single submitter. Criteria: GeneDx Variant Classification Process June 2021. Collection method: clinical testing. Allele origin: germline. Affected: yes.
Comment: In silico analysis supports a deleterious effect on splicing; Has not been previously published as pathogenic or benign in association with a TPO-related disorder to our knowledge; This variant is associated with the following publications: (PMID: 31785789)

Fulgent Genetics
Classification: Uncertain significance for Deficiency of iodide peroxidase. Last evaluated: 2022-03-17. Review status: criteria provided, single submitter. Criteria: ACMG Guidelines, 2015. Collection method: clinical testing. Allele origin: unknown.

Illumina Laboratory Services, Illumina
Classification: Uncertain significance for Deficiency of iodide peroxidase. Last evaluated: 2018-01-13. Review status: criteria provided, single submitter. Criteria: ICSL Variant Classification Criteria 13 December 2019. Collection method: clinical testing. Allele origin: germline.

Dr. Peter K. Rogan Lab, Western University
No classification provided (evidence only). Condition: Thyroid cancer, nonmedullary, 1. Review status: no classification provided. Collection method: in vitro. Allele origin: not applicable. Functional consequence: skipped exon, retained intron. Not counted in ClinVar's aggregate classification.

Dr. Peter K. Rogan Lab, Western University
No classification provided (evidence only). Condition: Hepatocellular carcinoma. Review status: no classification provided. Collection method: in vitro. Allele origin: not applicable. Functional consequence: retained intron. Not counted in ClinVar's aggregate classification.

NM_001206744.2(TPO):c.612G>A (p.Pro204=)

Gene: TPO (thyroid peroxidase; plus strand). Cytogenetic location: 2p25.3.
Variant type: single nucleotide variant.
Coding change: c.612G>A on transcript NM_001206744.2 (MANE Select); coding-DNA position 612, G replaced by A.
Protein change: p.Pro204=; no amino-acid change (proline 204 retained).
Molecular consequence: synonymous variant.
Genome position (GRCh38, 1-based): chr2:1,453,823, G>A. VCF-style: chr2-1453823-G-A. GRCh37 (hg19) VCF-style: chr2-1457595-G-A.
Other names: NC_000002.11:g.1457595G>A; c.612G>A, p.Pro204= (NM_000547.6, NM_001206745.2, NM_175719.4 and 2 more transcripts).
Identifiers: ClinVar variation 331308 (VCV000331308.9), dbSNP rs3732349, ClinGen allele CA1511497.
Genomic context (GRCh38, chr2:1,453,823, plus strand): 5'-CTTCAGTCAGCCCCGAGGCTGGAACCCCGGCTTCTTGTACAACGGGTTCCCACTGCCCCC[G>A]GTGGGTACTCAGAACGCTACTATCCTGGACTAAGATTGGGTCCTGTGATGCTGAGGGAGG-3'
Protein context (NP_001193673.1, residues 194-214): GFLYNGFPLP[Pro204=]VREVTRHVIQ